The following is an entry in ClinVar:

ClinVar aggregate classification (germline): Uncertain significance (1 of 4 stars; one submission).

Conditions:
Autosomal dominant Parkinson disease 8. Also called: LRRK2-Related Parkinson Disease; Parkinson disease 8; Parkinson disease 8, susceptibility to. Identifiers: Orphanet 411602, MedGen C1846862, MONDO:0011764, OMIM 607060.

Submission:

Labcorp Genetics (formerly Invitae), Labcorp
Classification: Uncertain significance for Autosomal dominant Parkinson disease 8. Last evaluated: 2022-11-25. Review status: criteria provided, single submitter. Criteria: Invitae Variant Classification Sherloc (09022015). Collection method: clinical testing. Allele origin: unknown.
Comment: In summary, the available evidence is currently insufficient to determine the role of this variant in disease. Therefore, it has been classified as a Variant of Uncertain Significance. Experimental studies and prediction algorithms are not available or were not evaluated, and the functional significance of this variant is currently unknown. This variant has not been reported in the literature in individuals affected with LRRK2-related conditions. This variant results in a copy number gain of the genomic region encompassing exon(s) 20 of the LRRK2 gene. While the exact position of this variant cannot be determined from the data, sub-genic copy number gains are generally in tandem (PMID: 25640679). This variant is predicted to be in-frame, and likely preserves the integrity of the reading frame.

Literature cited by the submitters: PubMed 25640679.

NC_000012.11:g.(?_40681133)_(40681361_?)dup

Gene: LRRK2 (leucine rich repeat kinase 2; plus strand). Cytogenetic location: 12q12.
Variant type: Duplication.
Identifiers: ClinVar variation 3244313 (VCV003244313.1).